The following is an entry in ClinVar:

NM_000478.6(ALPL):c.716_719delinsTAATGT (p.Asp239fs)

Gene: ALPL (alkaline phosphatase, biomineralization associated; plus strand). Cytogenetic location: 1p36.12.
Variant type: Indel.
Coding change: c.716_719delinsTAATGT on transcript NM_000478.6 (MANE Select); coding-DNA positions 716 to 719, ACGA replaced by TAATGT.
Protein change: p.Asp239fs; shifts the reading frame from aspartic acid 239.
Molecular consequence: frameshift variant.
Genome position (GRCh38, 1-based): chr1:21,568,171-21,568,174, ACGA replaced by TAATGT. VCF-style: chr1-21568171-ACGA-TAATGT. GRCh37 (hg19) VCF-style: chr1-21894664-ACGA-TAATGT.
Other names: c.716_719delinsTAATGT, p.Asp239fs (NM_001369805.2, NM_001369803.2, NM_001369804.2); c.551_554delinsTAATGT, p.Asp184fs (NM_001127501.4); c.485_488delinsTAATGT, p.Asp162fs (NM_001177520.3); short protein forms D162fs, D184fs, D239fs.
Identifiers: ClinVar variation 1726767 (VCV001726767.3), dbSNP rs2545317362, ClinGen allele CA2580061443.

ClinVar aggregate classification (germline): Likely pathogenic (1 of 4 stars; one submission).

Conditions:
Hypophosphatasia. Also called: Phosphoethanol-aminuria. Identifiers: Orphanet 436, MedGen C0020630, MeSH D007014, MONDO:0018570.

Submission:

Myriad Genetics, Inc.
Classification: Likely pathogenic for Hypophosphatasia. Last evaluated: 2022-01-02. Review status: criteria provided, single submitter. Criteria: Myriad Autosomal Dominant, Autosomal Recessive and X-Linked Classification Criteria (2023). Collection method: clinical testing. Allele origin: unknown.
Comment: NM_000478.4(ALPL):c.716_719del4ins6(D239Vfs*3) is expected to be pathogenic in the context of hypophosphatasia. This variant is predicted to lead to an abnormal or absent protein product due to the creation of a premature termination codon in ALPL, a gene where loss-of-function variants are known to be pathogenic. Please note: this variant was assessed in the context of healthy population screening.